The following is an entry in ClinVar:

NM_021939.4(FKBP10):c.1161del (p.Pro388fs)

Gene: FKBP10 (FKBP prolyl isomerase 10; plus strand). Cytogenetic location: 17q21.2.
Variant type: Deletion.
Coding change: c.1161del on transcript NM_021939.4 (MANE Select); coding-DNA position 1161, one base deleted (G; older notation c.1161delG).
Protein change: p.Pro388fs; shifts the reading frame from proline 388.
Molecular consequence: frameshift variant.
Genome position (GRCh38, 1-based): chr17:41,820,366, G deleted; the last of 2 consecutive G bases (chr17:41,820,365-41,820,366); deleting either gives the same sequence. VCF-style (leftmost placement, unchanged base first): chr17-41820364-CG-C. GRCh37 (hg19) VCF-style: chr17-39976616-CG-C.
Other names: short protein forms P388fs.
Identifiers: ClinVar variation 2808092 (VCV002808092.3), dbSNP rs782021744, ClinGen allele CA8566531.

ClinVar aggregate classification (germline): Pathogenic (1 of 4 stars; one submission).

Submission:

Labcorp Genetics (formerly Invitae), Labcorp
Classification: Pathogenic. Last evaluated: 2023-06-29. Review status: criteria provided, single submitter. Criteria: Invitae Variant Classification Sherloc (09022015). Collection method: clinical testing. Allele origin: germline.
Comment: This sequence change creates a premature translational stop signal (p.Pro388Hisfs*48) in the FKBP10 gene. It is expected to result in an absent or disrupted protein product. Loss-of-function variants in FKBP10 are known to be pathogenic (PMID: 22689593, 22949511). This variant is present in population databases (rs782021744, gnomAD 0.003%). This variant has not been reported in the literature in individuals affected with FKBP10-related conditions. For these reasons, this variant has been classified as Pathogenic.

Literature cited by the submitters: PubMed 22689593; PubMed 22949511.